The following is an entry in ClinVar:

NM_001127392.3(MYRF):c.497T>C (p.Leu166Pro)

Gene: MYRF (myelin regulatory factor; plus strand). Cytogenetic location: 11q12.2.
Variant type: single nucleotide variant.
Coding change: c.497T>C on transcript NM_001127392.3 (MANE Select); coding-DNA position 497, T replaced by C.
Protein change: p.Leu166Pro; replaces leucine 166 with proline.
Molecular consequence: missense variant.
Genome position (GRCh38, 1-based): chr11:61,770,282, T>C. VCF-style: chr11-61770282-T-C. GRCh37 (hg19) VCF-style: chr11-61537754-T-C.
Other names: c.470T>C, p.Leu157Pro (NM_013279.4); short protein forms L157P, L166P.
Identifiers: ClinVar variation 3602435 (VCV003602435.1).

ClinVar aggregate classification (germline): Uncertain significance (1 of 4 stars; one submission).

Submission:

GeneDx
Classification: Uncertain significance. Last evaluated: 2024-08-03. Review status: criteria provided, single submitter. Criteria: GeneDx Variant Classification Process June 2021. Collection method: clinical testing. Allele origin: germline. Affected: yes.
Comment: Not observed at significant frequency in large population cohorts (gnomAD); In silico analysis supports that this missense variant has a deleterious effect on protein structure/function; Has not been previously published as pathogenic or benign to our knowledge